The following is an entry in ClinVar:

ClinVar aggregate classification (germline): Pathogenic. Review status: criteria provided, single submitter (1 of 4 stars). 2 submissions from 2 submitters: Pathogenic (1). 1 of the submissions does not count toward it. Last evaluated 2016-02-09.

Conditions:
Marfan syndrome (MFS). Also called: MARFAN SYNDROME, TYPE I; FBN1-Related Marfan Syndrome; Marfan syndrome type 1; Marfan's syndrome; Marfan syndrome, classic. Identifiers: Orphanet 284963, Orphanet 558, MedGen C0024796, MONDO:0007947, OMIM 154700.

Submissions (2):

GeneDx
Classification: Pathogenic. Last evaluated: 2016-02-09. Review status: criteria provided, single submitter. Criteria: GeneDx Variant Classification (06012015). Collection method: clinical testing. Allele origin: germline. Affected: yes.
Comment: Although the c.6313+2 T>C variant has not been reported as a pathogenic variant or as a benign variant to our knowledge, it destroys the canonical splice donor site in intron 51 and is predicted to cause abnormal gene splicing. The c.6313+2 T>C variant is predicted to result in in-frame skipping of exon 51 and the loss of one TGF-beta binding domain. Other splice site variants in the FBN1 gene resulting in skipping of exon 51 have been reported in the Human Gene Mutation Database in association with FBN1-related disorders (Stenson et al., 2014). Furthermore, the c.6313+2 T>C variant was not observed in approximately 6,500 individuals of European and African American ancestry in the NHLBI Exome Sequencing Project, indicating it is not a common benign variant in these populations.In summary, c.6313+2 T>C in the FBN1 gene is interpreted as a pathogenic variant

Center for Medical Genetics Ghent, University of Ghent
Classification: Likely pathogenic for Marfan syndrome. Last evaluated: 2017-11-07. Review status: no assertion criteria provided. Collection method: clinical testing. Allele origin: germline. Affected: yes. Not counted in ClinVar's aggregate classification.

NM_000138.5(FBN1):c.6313+2T>C

Gene: FBN1 (fibrillin 1; minus strand). Cytogenetic location: 15q21.1.
Variant type: single nucleotide variant.
Coding change: c.6313+2T>C on transcript NM_000138.5 (MANE Select); the canonical splice donor site of the intron after coding-DNA position 6313, T replaced by C.
Molecular consequence: splice donor variant.
Genome position (GRCh38, 1-based): chr15:48,437,766, A>G on the plus strand (T>C on the coding strand, the complement: FBN1 is on the minus strand). VCF-style: chr15-48437766-A-G. GRCh37 (hg19) VCF-style: chr15-48729963-A-G.
Other names: c.6313+2T>C (NM_001406716.1).
Identifiers: ClinVar variation 449672 (VCV000449672.2), dbSNP rs1555395257, ClinGen allele CA392336880.
Genomic context (GRCh38, chr15:48,437,766, plus strand): 5'-CTTACATCATGGCCAGTCTGCACCCTGCATGGCCCAGAGAGAAATGCAGATGACAGACAT[A>G]CCATCAGGTTCCGTGGGGCAGAGCTCGCAGGGGTCTCCCCAGCCTTCTCCCTTCAAGGCA-3'